The following is an entry in ClinVar:

NM_001042492.3(NF1):c.536T>A (p.Leu179Ter)

Gene: NF1 (neurofibromin 1; plus strand). Cytogenetic location: 17q11.2.
Variant type: single nucleotide variant.
Coding change: c.536T>A on transcript NM_001042492.3 (MANE Select); coding-DNA position 536, T replaced by A.
Protein change: p.Leu179Ter; replaces leucine 179 with a stop codon.
Molecular consequence: nonsense.
Genome position (GRCh38, 1-based): chr17:31,169,947, T>A. VCF-style: chr17-31169947-T-A. GRCh37 (hg19) VCF-style: chr17-29496965-T-A.
Other names: c.536T>A, p.Leu179Ter (NM_000267.4, NM_001128147.3); short protein forms L179*.
Identifiers: ClinVar variation 4718288 (VCV004718288.1).
Genomic context (GRCh38, chr17:31,169,947, plus strand): 5'-TTAGGTTACAGGAATTAACTGTTTGTTCAGAAGACAATGTTGATGTTCATGATATAGAAT[T>A]GTTACAGTATATCAATGTGGATTGTGCAAAATTAAAACGACTCCTGAAGGGTAAGTTTAA-3'

ClinVar aggregate classification (germline): Pathogenic (1 of 4 stars; one submission).

Conditions:
Neurofibromatosis, type 1 (NF1). Also called: NEUROFIBROMATOSIS, TYPE I, SOMATIC; VON RECKLINGHAUSEN DISEASE; Peripheral type neurofibromatosis; Neurofibromatosis, type I. Identifiers: Orphanet 636, MedGen C0027831, MONDO:0018975, OMIM 162200. Disease mechanism: loss of function.

Submission:

Labcorp Genetics (formerly Invitae), Labcorp
Classification: Pathogenic for Neurofibromatosis, type 1. Last evaluated: 2025-07-25. Review status: criteria provided, single submitter. Criteria: Invitae Variant Classification Sherloc (09022015). Collection method: clinical testing. Allele origin: germline.
Comment: This sequence change creates a premature translational stop signal (p.Leu179*) in the NF1 gene. It is expected to result in an absent or disrupted protein product. Loss-of-function variants in NF1 are known to be pathogenic (PMID: 10712197, 23913538). This variant is not present in population databases (gnomAD no frequency). This variant has not been reported in the literature in individuals affected with NF1-related conditions. For these reasons, this variant has been classified as Pathogenic.

Literature cited by the submitters: PubMed 10712197; PubMed 23913538.